The following is an entry in ClinVar:

ClinVar aggregate classification (germline): Uncertain significance (1 of 4 stars; one submission).

Conditions:
Congenital myasthenic syndrome 4A. Also called: Myasthenic syndrome, congenital, 4a, slow-channel; CONGENITAL MYASTHENIC SYNDROME TYPE Ia1; MYASTHENIC SYNDROME, CONGENITAL, 4A, SLOW-CHANNEL, AUTOSOMAL RECESSIVE. Identifiers: Orphanet 590, MedGen C4225413, MONDO:0011600, OMIM 605809.

Allele frequency attached by ClinVar (database versions not stated): gnomAD exomes below 0.00001 and 0.00002; TOPMed below 0.00001; ExAC 0.00002.
gnomAD v4.1: 7 of 1,614,114 alleles (0.00043%); highest among the groups gnomAD compares: Non-Finnish European, 0.00059%; no homozygotes.

Submission:

Labcorp Genetics (formerly Invitae), Labcorp
Classification: Uncertain significance for Congenital myasthenic syndrome 4A. Last evaluated: 2025-03-31. Review status: criteria provided, single submitter. Criteria: Invitae Variant Classification Sherloc (09022015). Collection method: clinical testing. Allele origin: germline.
Comment: This sequence change replaces glutamic acid, which is acidic and polar, with lysine, which is basic and polar, at codon 109 of the CHRNE protein (p.Glu109Lys). This variant is present in population databases (rs779426416, gnomAD 0.004%). This variant has not been reported in the literature in individuals affected with CHRNE-related conditions. ClinVar contains an entry for this variant (Variation ID: 648496). Invitae Evidence Modeling of protein sequence and biophysical properties (such as structural, functional, and spatial information, amino acid conservation, physicochemical variation, residue mobility, and thermodynamic stability) indicates that this missense variant is not expected to disrupt CHRNE protein function with a negative predictive value of 95%. In summary, the available evidence is currently insufficient to determine the role of this variant in disease. Therefore, it has been classified as a Variant of Uncertain Significance.

NM_000080.4(CHRNE):c.325G>A (p.Glu109Lys)

Genes: C17orf107 (chromosome 17 open reading frame 107; plus strand), CHRNE (cholinergic receptor nicotinic epsilon subunit; minus strand). Cytogenetic location: 17p13.2.
Variant type: single nucleotide variant.
Coding change: c.325G>A on transcript NM_000080.4 (MANE Select); coding-DNA position 325, G replaced by A.
Protein change: p.Glu109Lys; replaces glutamic acid 109 with lysine.
Molecular consequence: missense variant. On other transcripts: 3 prime UTR variant (1).
Genome position (GRCh38, 1-based): chr17:4,902,236, C>T on the plus strand (G>A on the coding strand, the complement: CHRNE is on the minus strand). VCF-style: chr17-4902236-C-T. GRCh37 (hg19) VCF-style: chr17-4805531-C-T.
Other names: c.*1703C>T (NM_001145536.2); short protein forms E109K.
Identifiers: ClinVar variation 648496 (VCV000648496.8), dbSNP rs779426416, ClinGen allele CA8314519.